The following is an entry in ClinVar:

NM_001243230.2(TCF4):c.66G>A (p.Glu22=)

Gene: TCF4 (transcription factor 4; minus strand). Cytogenetic location: 18q21.2.
Variant type: single nucleotide variant.
Coding change: c.66G>A on transcript NM_001243230.2; coding-DNA position 66, G replaced by A.
Protein change: p.Glu22=; no amino-acid change (glutamic acid 22 retained).
Molecular consequence: synonymous variant. On other transcripts: 5 prime UTR variant (3), intron variant (10).
Genome position (GRCh38, 1-based): chr18:55,588,470, C>T on the plus strand (G>A on the coding strand, the complement: TCF4 is on the minus strand). VCF-style: chr18-55588470-C-T. GRCh37 (hg19) VCF-style: chr18-53255701-C-T.
Other names: c.66G>A (NM_001243230.1); c.-21G>A (NM_001369568.1, NM_001369569.1, NM_001369572.1); c.287-1334G>A (NM_001243226.3); c.-1+827G>A (NM_001369584.1, NM_001369576.1, NM_001369577.1 and 3 more transcripts); c.-21+827G>A (NM_001369571.1, NM_001369567.1, NM_001243228.2).
Identifiers: ClinVar variation 327313 (VCV000327313.14), dbSNP rs113395332, ClinGen allele CA8970694.

ClinVar aggregate classification (germline): Benign/Likely benign. Review status: criteria provided, multiple submitters, no conflicts (2 of 4 stars). 4 submissions from 4 submitters: Benign (1); Likely benign (2). 1 of the submissions does not count toward it. Last evaluated 2026-03-01.

Conditions:
TCF4-related disorder. Also called: TCF4-related condition.
Pitt-Hopkins syndrome (PTHS). Also called: MENTAL RETARDATION, SYNDROMAL, WITH INTERMITTENT HYPERVENTILATION; ENCEPHALOPATHY, SEVERE EPILEPTIC, WITH AUTONOMIC DYSFUNCTION. Identifiers: Orphanet 2896, MedGen C1970431, MONDO:0012589, OMIM 610954.

Allele frequency attached by ClinVar (database versions not stated): gnomAD exomes 0.00023 and 0.00040; 1000 Genomes Project 0.00260; gnomAD 0.00217 and 0.00228; TOPMed 0.00243; ExAC below 0.00001; 1000 Genomes Project 30x 0.00328.
gnomAD v4.1: 659 of 1,535,088 alleles (0.043%); highest among the groups gnomAD compares: African/African-American, 0.77%; 3 homozygotes.

Submissions (4):

CeGaT Center for Human Genetics Tuebingen
Classification: Likely benign. Last evaluated: 2026-03-01. Review status: criteria provided, single submitter. Criteria: CeGaT Center For Human Genetics Tuebingen Variant Classification Criteria Version 2. Collection method: clinical testing. Allele origin: germline. Affected: yes. Observed: 1 variant allele.
Comment: TCF4: BP4, BP7

Blueprint Genetics
Classification: Likely benign. Last evaluated: 2024-11-12. Review status: criteria provided, single submitter. Criteria: ACMG Guidelines, 2015. Collection method: clinical testing. Allele origin: germline.

Illumina Laboratory Services, Illumina
Classification: Benign for Pitt-Hopkins syndrome. Last evaluated: 2018-01-13. Review status: criteria provided, single submitter. Criteria: ICSL Variant Classification Criteria 13 December 2019. Collection method: clinical testing. Allele origin: germline.
Comment: This variant was observed in the ICSL laboratory as part of a predisposition screen in an ostensibly healthy population. It had not been previously curated by ICSL or reported in the Human Gene Mutation Database (HGMD: prior to June 1st, 2018), and was therefore a candidate for classification through an automated scoring system. Utilizing variant allele frequency, disease prevalence and penetrance estimates, and inheritance mode, an automated score was calculated to assess if this variant is too frequent to cause the disease. Based on the score and internal cut-off values, a variant classified as benign is not then subjected to further curation. The score for this variant resulted in a classification of benign for this disease.

PreventionGenetics, part of Exact Sciences
Classification: Benign for TCF4-related condition. Last evaluated: 2022-07-11. Review status: no assertion criteria provided. Collection method: clinical testing. Allele origin: germline. Not counted in ClinVar's aggregate classification.
Comment: This variant is classified as benign based on ACMG/AMP sequence variant interpretation guidelines (Richards et al. 2015 PMID: 25741868, with internal and published modifications).